The following is an entry in ClinVar:

ClinVar aggregate classification (germline): Uncertain significance (1 of 4 stars; one submission).

Submission:

CeGaT Center for Human Genetics Tuebingen
Classification: Uncertain significance. Last evaluated: 2025-04-01. Review status: criteria provided, single submitter. Criteria: CeGaT Center For Human Genetics Tuebingen Variant Classification Criteria Version 2. Collection method: clinical testing. Allele origin: germline. Affected: yes. Observed: 1 variant allele.
Comment: CACNA1A: PM2, BP4

NM_001127222.2(CACNA1A):c.1083-6C>T

Gene: CACNA1A (calcium voltage-gated channel subunit alpha1 A; minus strand). Cytogenetic location: 19p13.13.
Variant type: single nucleotide variant.
Coding change: c.1083-6C>T on transcript NM_001127222.2 (MANE Select); 6 bases into the intron before coding-DNA position 1083, C replaced by T.
Molecular consequence: intron variant.
Genome position (GRCh38, 1-based): chr19:13,334,499, G>A on the plus strand (C>T on the coding strand, the complement: CACNA1A is on the minus strand). VCF-style: chr19-13334499-G-A. GRCh37 (hg19) VCF-style: chr19-13445313-G-A.
Other names: c.1083-6C>T (NM_001127221.2, NM_001174080.2, NM_000068.4 and 1 more transcripts).
Identifiers: ClinVar variation 3898704 (VCV003898704.7).